The following is an entry in ClinVar:

NM_000038.6(APC):c.5497A>G (p.Arg1833Gly)

Gene: APC (APC regulator of Wnt signaling pathway; plus strand). Cytogenetic location: 5q22.2.
Variant type: single nucleotide variant.
Coding change: c.5497A>G on transcript NM_000038.6 (MANE Select); coding-DNA position 5497, A replaced by G.
Protein change: p.Arg1833Gly; replaces arginine 1833 with glycine.
Molecular consequence: missense variant. On other transcripts: non-coding transcript variant (2).
Genome position (GRCh38, 1-based): chr5:112,841,091, A>G. VCF-style: chr5-112841091-A-G. GRCh37 (hg19) VCF-style: chr5-112176788-A-G.
Other names: c.5497A>G, p.Arg1833Gly (NM_001127510.3, NM_001354895.2, NM_001407450.1); c.5443A>G, p.Arg1815Gly (NM_001127511.3); c.5551A>G, p.Arg1851Gly (NM_001354896.2, NM_001407447.1, NM_001407448.1 and 1 more transcripts); c.5527A>G, p.Arg1843Gly (NM_001354897.2); c.5422A>G, p.Arg1808Gly (NM_001354898.2); c.5413A>G, p.Arg1805Gly (NM_001354899.2); c.5374A>G, p.Arg1792Gly (NM_001354900.2); c.5320A>G, p.Arg1774Gly (NM_001354901.2, NM_001407453.1); and 11 more; short protein forms R1707G, R1808G, R1550G, R1704G, R1750G, R1805G, R1815G, R1826G.
Identifiers: ClinVar variation 2452693 (VCV002452693.2), dbSNP rs2149941627, ClinGen allele CA16033359.
Genomic context (GRCh38, chr5:112,841,091, plus strand): 5'-AAACAGAATTTGAAAAATAATTCCAAGGTCTTCAATGATAAGCTCCCAAATAATGAAGAT[A>G]GAGTCAGAGGAAGTTTTGCTTTTGATTCACCTCATCATTACACGCCTATTGAAGGAACTC-3'
Protein context (NP_000029.2, residues 1823-1843): FNDKLPNNED[Arg1833Gly]VRGSFAFDSP

ClinVar aggregate classification (germline): Uncertain significance (1 of 4 stars; one submission).

Conditions:
Hereditary cancer-predisposing syndrome. Also called: Neoplastic Syndromes, Hereditary; Tumor predisposition; Hereditary neoplastic syndrome; Hereditary Cancer Syndrome. Identifiers: Orphanet 140162, MedGen C0027672, MeSH D009386, MONDO:0015356.

Allele frequency attached by ClinVar (database versions not stated): gnomAD exomes below 0.00001.
gnomAD v4.1: 2 of 1,612,942 alleles (0.00012%); highest among the groups gnomAD compares: Non-Finnish European, 0.00017%; no homozygotes.

Submission:

Ambry Genetics
Classification: Uncertain significance for Hereditary cancer-predisposing syndrome. Last evaluated: 2022-12-09. Review status: criteria provided, single submitter. Criteria: Ambry Variant Classification Scheme 2023. Collection method: clinical testing. Allele origin: germline.
Comment: The p.R1833G variant (also known as c.5497A>G), located in coding exon 15 of the APC gene, results from an A to G substitution at nucleotide position 5497. The arginine at codon 1833 is replaced by glycine, an amino acid with dissimilar properties. This amino acid position is conserved. In addition, in silico predictors for this gene do not accurately predict pathogenicity. Since supporting evidence is limited at this time, the clinical significance of this alteration remains unclear.